The following is an entry in ClinVar:

NM_003242.6(TGFBR2):c.1270T>C (p.Tyr424His)

Gene: TGFBR2 (transforming growth factor beta receptor 2; plus strand). Cytogenetic location: 3p24.1.
Variant type: single nucleotide variant.
Coding change: c.1270T>C on transcript NM_003242.6 (MANE Select); coding-DNA position 1270, T replaced by C.
Protein change: p.Tyr424His; replaces tyrosine 424 with histidine.
Molecular consequence: missense variant.
Genome position (GRCh38, 1-based): chr3:30,674,120, T>C. VCF-style: chr3-30674120-T-C. GRCh37 (hg19) VCF-style: chr3-30715612-T-C.
Other names: c.1345T>C, p.Tyr449His (NM_001024847.3); c.1453T>C, p.Tyr485His (NM_001407126.1); c.1378T>C, p.Tyr460His (NM_001407127.1); c.1297T>C, p.Tyr433His (NM_001407128.1); c.1273T>C, p.Tyr425His (NM_001407129.1); c.1270T>C, p.Tyr424His (NM_001407130.1); c.1165T>C, p.Tyr389His (NM_001407132.1, NM_001407133.1, NM_001407134.1 and 2 more transcripts); c.985T>C, p.Tyr329His (NM_001407137.1); and 1 more; short protein forms Y449H, Y424H, Y304H, Y389H, Y425H, Y460H, Y485H, Y329H.
Identifiers: ClinVar variation 618430 (VCV000618430.12), dbSNP rs1559467821, ClinGen allele CA351808899.
Genomic context (GRCh38, chr3:30,674,120, plus strand): 5'-CAGCTGGAATTAAATGATGGGCCTCACTGTCTGTTTTTGCTATAGGTGGGAACTGCAAGA[T>C]ACATGGCTCCAGAAGTCCTAGAATCCAGGATGAATTTGGAGAATGTTGAGTCCTTCAAGC-3'
Protein context (NP_003233.4, residues 414-434): ANSGQVGTAR[Tyr424His]MAPEVLESRM

ClinVar aggregate classification (germline): Conflicting classifications of pathogenicity. Review status: criteria provided, conflicting classifications (1 of 4 stars). 2 submissions from 2 submitters: Pathogenic (1); Uncertain significance (1). Last evaluated 2025-04-02.

Conditions:
Familial thoracic aortic aneurysm and aortic dissection (TAAD). Also called: Thoracic aortic aneurysms and dissections. Identifiers: Orphanet 91387, MedGen C4707243, MONDO:0019625.

Submissions (2):

Labcorp Genetics (formerly Invitae), Labcorp
Classification: Pathogenic for Familial thoracic aortic aneurysm and aortic dissection. Last evaluated: 2025-04-02. Review status: criteria provided, single submitter. Criteria: Invitae Variant Classification Sherloc (09022015). Collection method: clinical testing. Allele origin: germline.
Comment: This sequence change replaces tyrosine, which is neutral and polar, with histidine, which is basic and polar, at codon 424 of the TGFBR2 protein (p.Tyr424His). This variant is not present in population databases (gnomAD no frequency). This missense change has been observed in individuals with TGFBR2-related conditions (PMID: 26301661; internal data). ClinVar contains an entry for this variant (Variation ID: 618430). Invitae Evidence Modeling of protein sequence and biophysical properties (such as structural, functional, and spatial information, amino acid conservation, physicochemical variation, residue mobility, and thermodynamic stability) indicates that this missense variant is expected to disrupt TGFBR2 protein function with a positive predictive value of 95%. This variant disrupts the p.Tyr424 amino acid residue in TGFBR2. Other variant(s) that disrupt this residue have been determined to be pathogenic (internal data). This suggests that this residue is clinically significant, and that variants that disrupt this residue are likely to be disease-causing. For these reasons, this variant has been classified as Pathogenic.

ARUP Laboratories, Molecular Genetics and Genomics, ARUP Laboratories
Classification: Uncertain significance. Last evaluated: 2018-01-04. Review status: criteria provided, single submitter. Criteria: ARUP Molecular Germline Variant Investigation Process. Collection method: clinical testing. Allele origin: germline.
Comment: The TGFBR2 c.1270T>C; p.Tyr424His variant is reported in the literature in an individual that met Ghent criteria and experienced aortic rupture (Fujita 2015). The variant is not listed in gene-specific databases, the ClinVar database, the dbSNP database or in the general population-based databases (1000 Genomes Project, Exome Variant Server, Genome Aggregation Database). The tyrosine at codon 424 is highly conserved among 100 vertebrates and computational algorithms predict this variant is deleterious (SIFT: Damaging, PolyPhen2: Probably damaging, and MutationTaster: Disease causing). However, due to limited information, the clinical significance of this variant cannot be determined. Pathogenic autosomal dominant TGFBR2 mutations are associated with Loeys-Dietz syndrome, type 1B and 2B (MIM#610168 and 610380). Reference: Fujita D et al. A novel mutation of TGFBR2 causing Loeys-Dietz syndrome complicated with pregnancy-related fatal cervical arterial dissections. Int J Cardiol. 2015 201:288-90.

Literature cited by the submitters: PubMed 26301661 (cited by Labcorp Genetics (formerly Invitae), Labcorp).